The following is an entry in ClinVar:

NM_014141.6(CNTNAP2):c.655del (p.Ser219fs)

Gene: CNTNAP2 (contactin associated protein 2; plus strand). Cytogenetic location: 7q35.
Variant type: Deletion.
Coding change: c.655del on transcript NM_014141.6 (MANE Select); coding-DNA position 655, one base deleted (T; older notation c.655delT).
Protein change: p.Ser219fs; shifts the reading frame from serine 219.
Molecular consequence: frameshift variant.
Genome position (GRCh38, 1-based): chr7:147,108,251, T deleted. VCF-style (leftmost placement, unchanged base first): chr7-147108250-GT-G. GRCh37 (hg19) VCF-style: chr7-146805342-GT-G.
Other names: short protein forms S219fs.
Identifiers: ClinVar variation 1442081 (VCV001442081.6), dbSNP rs2129279551, ClinGen allele CA2573141877.
Genomic context (GRCh38, chr7:147,108,250, plus strand): 5'-TAGATTCAGAAACAAGAAGATGAAAACACTGAAAGATGTCATTGCCTTGAACTTTAAGAC[GT>G]CTGAAAGTGAAGGAGTAATCCTGCACGGAGAAGGACAGCAAGGAGATTACATTACCTTGG-3'

ClinVar aggregate classification (germline): Pathogenic (1 of 4 stars; one submission).

Conditions:
Cortical dysplasia-focal epilepsy syndrome (PTHSL1). Also called: Pitt-Hopkins-like syndrome 1. Identifiers: Orphanet 163681, Orphanet 221150, MedGen C2750246, MONDO:0012400, OMIM 610042.

Submission:

Labcorp Genetics (formerly Invitae), Labcorp
Classification: Pathogenic for Cortical dysplasia-focal epilepsy syndrome. Last evaluated: 2021-12-14. Review status: criteria provided, single submitter. Criteria: Invitae Variant Classification Sherloc (09022015). Collection method: clinical testing. Allele origin: germline.
Comment: For these reasons, this variant has been classified as Pathogenic. This variant has not been reported in the literature in individuals affected with CNTNAP2-related conditions. This variant is not present in population databases (gnomAD no frequency). This sequence change creates a premature translational stop signal (p.Ser219Leufs*6) in the CNTNAP2 gene. It is expected to result in an absent or disrupted protein product. Loss-of-function variants in CNTNAP2 are known to be pathogenic (PMID: 19896112, 21827697, 25045150, 26843181, 27439707).

Literature cited by the submitters: PubMed 19896112; PubMed 21827697; PubMed 25045150; PubMed 26843181; PubMed 27439707.